The following is an entry in ClinVar:

ClinVar aggregate classification (germline): Likely benign. Review status: criteria provided, multiple submitters, no conflicts (2 of 4 stars). 2 submissions from 2 submitters: Likely benign (2). Last evaluated 2025-12-16.

Conditions:
Familial cancer of breast. Also called: BREAST CANCER, FAMILIAL; Hereditary breast cancer; hereditary breast carcinoma. Identifiers: Orphanet 227535, MedGen C0346153, MONDO:0016419, OMIM 114480. Disease mechanism: loss of function.

Allele frequency attached by ClinVar (database versions not stated): gnomAD exomes below 0.00001; TOPMed below 0.00001.
gnomAD v4.1: 2 of 1,612,576 alleles (0.00012%); highest among the groups gnomAD compares: Non-Finnish European, 0.00017%; no homozygotes.

Submissions (2):

Labcorp Genetics (formerly Invitae), Labcorp
Classification: Likely benign for Familial cancer of breast. Last evaluated: 2025-12-16. Review status: criteria provided, single submitter. Criteria: Invitae Variant Classification Sherloc (09022015). Collection method: clinical testing. Allele origin: germline.

GeneDx
Classification: Likely benign. Last evaluated: 2017-01-13. Review status: criteria provided, single submitter. Criteria: GeneDx Variant Classification (06012015). Collection method: clinical testing. Allele origin: germline. Affected: yes.
Comment: This variant is considered likely benign or benign based on one or more of the following criteria: it is a conservative change, it occurs at a poorly conserved position in the protein, it is predicted to be benign by multiple in silico algorithms, and/or has population frequency not consistent with disease.

NM_024675.4(PALB2):c.48+19G>C

Gene: PALB2 (partner and localizer of BRCA2; minus strand). Cytogenetic location: 16p12.2.
Variant type: single nucleotide variant.
Coding change: c.48+19G>C on transcript NM_024675.4 (MANE Select); 19 bases into the intron after coding-DNA position 48, G replaced by C.
Molecular consequence: intron variant.
Genome position (GRCh38, 1-based): chr16:23,641,091, C>G on the plus strand (G>C on the coding strand, the complement: PALB2 is on the minus strand). VCF-style: chr16-23641091-C-G. GRCh37 (hg19) VCF-style: chr16-23652412-C-G.
Identifiers: ClinVar variation 392982 (VCV000392982.9), dbSNP rs1057523580, ClinGen allele CA16607228.